The following is an entry in ClinVar:

NM_032043.3(BRIP1):c.1242G>C (p.Gln414His)

Gene: BRIP1 (BRCA1 interacting DNA helicase 1; minus strand). Cytogenetic location: 17q23.2.
Variant type: single nucleotide variant.
Coding change: c.1242G>C on transcript NM_032043.3 (MANE Select); coding-DNA position 1242, G replaced by C.
Protein change: p.Gln414His; replaces glutamine 414 with histidine.
Molecular consequence: missense variant.
Genome position (GRCh38, 1-based): chr17:61,799,198, C>G on the plus strand (G>C on the coding strand, the complement: BRIP1 is on the minus strand). VCF-style: chr17-61799198-C-G. GRCh37 (hg19) VCF-style: chr17-59876559-C-G.
Other names: short protein forms Q414H.
Identifiers: ClinVar variation 485459 (VCV000485459.14), dbSNP rs1257200897, ClinGen allele CA400483618.

ClinVar aggregate classification (germline): Uncertain significance. Review status: criteria provided, multiple submitters, no conflicts (2 of 4 stars). 2 submissions from 2 submitters: Uncertain significance (2). Last evaluated 2024-05-22.

Conditions:
Hereditary cancer-predisposing syndrome. Also called: Hereditary neoplastic syndrome; Neoplastic Syndromes, Hereditary; Tumor predisposition; Hereditary Cancer Syndrome. Identifiers: Orphanet 140162, MedGen C0027672, MeSH D009386, MONDO:0015356.
Fanconi anemia complementation group J. Also called: BRIP1-Related Fanconi Anemia. Identifiers: Orphanet 84, MedGen C1836860, MONDO:0012187, OMIM 609054.
Familial cancer of breast. Also called: BREAST CANCER, FAMILIAL; Hereditary breast cancer; hereditary breast carcinoma. Identifiers: Orphanet 227535, MedGen C0346153, MONDO:0016419, OMIM 114480. Disease mechanism: loss of function.

Submissions (2):

Labcorp Genetics (formerly Invitae), Labcorp
Classification: Uncertain significance for Familial cancer of breast; Fanconi anemia complementation group J. Last evaluated: 2024-05-22. Review status: criteria provided, single submitter. Criteria: Invitae Variant Classification Sherloc (09022015). Collection method: clinical testing. Allele origin: germline.
Comment: This sequence change replaces glutamine, which is neutral and polar, with histidine, which is basic and polar, at codon 414 of the BRIP1 protein (p.Gln414His). This variant is not present in population databases (gnomAD no frequency). This variant has not been reported in the literature in individuals affected with BRIP1-related conditions. ClinVar contains an entry for this variant (Variation ID: 485459). Advanced modeling of protein sequence and biophysical properties (such as structural, functional, and spatial information, amino acid conservation, physicochemical variation, residue mobility, and thermodynamic stability) has been performed at Invitae for this missense variant, however the output from this modeling did not meet the statistical confidence thresholds required to predict the impact of this variant on BRIP1 protein function. In summary, the available evidence is currently insufficient to determine the role of this variant in disease. Therefore, it has been classified as a Variant of Uncertain Significance.

Ambry Genetics
Classification: Uncertain significance for Hereditary cancer-predisposing syndrome. Last evaluated: 2016-10-18. Review status: criteria provided, single submitter. Criteria: Ambry Variant Classification Scheme 2023. Collection method: clinical testing. Allele origin: germline.
Comment: The p.Q414H variant (also known as c.1242G>C), located in coding exon 8 of the BRIP1 gene, results from a G to C substitution at nucleotide position 1242. The glutamine at codon 414 is replaced by histidine, an amino acid with highly similar properties. This variant was not reported in population based cohorts in the following databases: Database of Single Nucleotide Polymorphisms (dbSNP), NHLBI Exome Sequencing Project (ESP), and 1000 Genomes Project. In the ESP, this variant was not observed in 6503 samples (13006 alleles) with coverage at this position. To date, this alteration has been detected with an allele frequency of approximately 0.001% (greater than 175000 alleles tested) in our clinical cohort. This amino acid position is well conserved in available vertebrate species. In addition, this alteration is predicted to be tolerated by in silico analysis. Since supporting evidence is limited at this time, the clinical significance of this alteration remains unclear.